The following is an entry in ClinVar:

ClinVar aggregate classification (germline): Uncertain significance. Review status: criteria provided, multiple submitters, no conflicts (2 of 4 stars). 3 submissions from 3 submitters: Uncertain significance (3). Last evaluated 2024-06-22.

Allele frequency attached by ClinVar (database versions not stated): ExAC 0.00001; ESP Exome Variant Server 0.00008; gnomAD 0.00008; TOPMed 0.00008; gnomAD exomes 0.00015.
gnomAD v4.1: 219 of 1,614,026 alleles (0.014%); highest among the groups gnomAD compares: Non-Finnish European, 0.018%; no homozygotes.

Submissions (3):

Labcorp Genetics (formerly Invitae), Labcorp
Classification: Uncertain significance. Last evaluated: 2024-06-22. Review status: criteria provided, single submitter. Criteria: Invitae Variant Classification Sherloc (09022015). Collection method: clinical testing. Allele origin: germline.
Comment: This sequence change replaces aspartic acid, which is acidic and polar, with valine, which is neutral and non-polar, at codon 513 of the STAT4 protein (p.Asp513Val). This variant is present in population databases (rs147007636, gnomAD 0.005%). This variant has not been reported in the literature in individuals affected with STAT4-related conditions. ClinVar contains an entry for this variant (Variation ID: 1896816). Advanced modeling of protein sequence and biophysical properties (such as structural, functional, and spatial information, amino acid conservation, physicochemical variation, residue mobility, and thermodynamic stability) performed at Invitae indicates that this missense variant is expected to disrupt STAT4 protein function with a positive predictive value of 80%. In summary, the available evidence is currently insufficient to determine the role of this variant in disease. Therefore, it has been classified as a Variant of Uncertain Significance.

Ambry Genetics
Classification: Uncertain significance. Last evaluated: 2022-08-03. Review status: criteria provided, single submitter. Criteria: Ambry Variant Classification Scheme 2023. Collection method: clinical testing. Allele origin: germline.

Blueprint Genetics
Classification: Uncertain significance. Last evaluated: 2017-08-14. Review status: criteria provided, single submitter. Criteria: ACMG Guidelines, 2015. Collection method: clinical testing. Allele origin: germline.

NM_003151.4(STAT4):c.1538A>T (p.Asp513Val)

Gene: STAT4 (signal transducer and activator of transcription 4; minus strand). Cytogenetic location: 2q32.2.
Variant type: single nucleotide variant.
Coding change: c.1538A>T on transcript NM_003151.4 (MANE Select); coding-DNA position 1538, A replaced by T.
Protein change: p.Asp513Val; replaces aspartic acid 513 with valine.
Molecular consequence: missense variant.
Genome position (GRCh38, 1-based): chr2:191,036,196, T>A on the plus strand (A>T on the coding strand, the complement: STAT4 is on the minus strand). VCF-style: chr2-191036196-T-A. GRCh37 (hg19) VCF-style: chr2-191900922-T-A.
Other names: c.1538A>T, p.Asp513Val (NM_001243835.2); short protein forms D513V.
Identifiers: ClinVar variation 1896816 (VCV001896816.7), dbSNP rs147007636, ClinGen allele CA2030562.
Genomic context (GRCh38, chr2:191,036,196, plus strand): 5'-CAAATCCTCTCTATCTACCAGCTCTCACCTGTAAGCTTCTCTGCCAGCATATGGAGTTGA[T>A]CTGAGTTAAGACCACGACCAACGTACGATGAAAACTGCCAGCTCATCACCTCCAGTAGTT-3'
Protein context (NP_003142.1, residues 503-523): SSYVGRGLNS[Asp513Val]QLHMLAEKLT